The following is an entry in ClinVar:

ClinVar aggregate classification (germline): Likely benign (1 of 4 stars; one submission).

Allele frequency attached by ClinVar (database versions not stated): ExAC 0.00006; gnomAD 0.00019; gnomAD exomes 0.00020; 1000 Genomes Project 30x 0.00021; ESP Exome Variant Server 0.00039.
gnomAD v4.1: 99 of 1,086,254 alleles (0.0091%); highest among the groups gnomAD compares: South Asian, 0.14%; no homozygotes.

Submission:

CeGaT Center for Human Genetics Tuebingen
Classification: Likely benign. Last evaluated: 2022-12-01. Review status: criteria provided, single submitter. Criteria: CeGaT Center For Human Genetics Tuebingen Variant Classification Criteria Version 2. Collection method: clinical testing. Allele origin: germline. Affected: yes. Observed: 1 variant allele.
Comment: VCX3B: BP4, BS2

NM_001001888.4(VCX3B):c.714C>T (p.Ser238=)

Gene: VCX3B (variable charge X-linked 3B; plus strand). Cytogenetic location: Xp22.31.
Variant type: single nucleotide variant.
Coding change: c.714C>T on transcript NM_001001888.4 (MANE Select); coding-DNA position 714, C replaced by T.
Protein change: p.Ser238=; no amino-acid change (serine 238 retained).
Molecular consequence: synonymous variant.
Genome position (GRCh38, 1-based): chrX:8,466,356, C>T. VCF-style: chrX-8466356-C-T. GRCh37 (hg19) VCF-style: chrX-8434397-C-T.
Identifiers: ClinVar variation 2659942 (VCV002659942.24), dbSNP rs371128705, ClinGen allele CA10343444.